The following is an entry in ClinVar:

ClinVar aggregate classification (germline): Uncertain significance (1 of 4 stars; one submission).

Conditions:
Autosomal dominant limb-girdle muscular dystrophy type 1G (LGMDD3). Also called: Limb-girdle muscular dystrophy, type 1G; MUSCULAR DYSTROPHY, LIMB-GIRDLE, AUTOSOMAL DOMINANT 3. Identifiers: Orphanet 55596, MedGen C1836765, MONDO:0012193, OMIM 609115.

gnomAD v4.1: 19 of 1,376,748 alleles (0.0014%); highest among the groups gnomAD compares: South Asian, 0.0068%; no homozygotes.

Submission:

Labcorp Genetics (formerly Invitae), Labcorp
Classification: Uncertain significance for Autosomal dominant limb-girdle muscular dystrophy type 1G. Last evaluated: 2025-06-04. Review status: criteria provided, single submitter. Criteria: Invitae Variant Classification Sherloc (09022015). Collection method: clinical testing. Allele origin: germline.
Comment: This sequence change replaces arginine, which is basic and polar, with tryptophan, which is neutral and slightly polar, at codon 33 of the HNRNPDL protein (p.Arg33Trp). This variant is present in population databases (no rsID available, gnomAD 0.01%). This variant has not been reported in the literature in individuals affected with HNRNPDL-related conditions. An algorithm developed to predict the effect of missense changes on protein structure and function (PolyPhen-2) suggests that this variant is likely to be disruptive. In summary, the available evidence is currently insufficient to determine the role of this variant in disease. Therefore, it has been classified as a Variant of Uncertain Significance.

NM_031372.4(HNRNPDL):c.97C>T (p.Arg33Trp)

Gene: HNRNPDL (heterogeneous nuclear ribonucleoprotein D like; minus strand). Cytogenetic location: 4q21.22.
Variant type: single nucleotide variant.
Coding change: c.97C>T on transcript NM_031372.4 (MANE Select); coding-DNA position 97, C replaced by T.
Protein change: p.Arg33Trp; replaces arginine 33 with tryptophan.
Molecular consequence: missense variant. On other transcripts: non-coding transcript variant (1).
Genome position (GRCh38, 1-based): chr4:82,429,594, G>A on the plus strand (C>T on the coding strand, the complement: HNRNPDL is on the minus strand). VCF-style: chr4-82429594-G-A. GRCh37 (hg19) VCF-style: chr4-83350747-G-A.
Other names: c.97C>T, p.Arg33Trp (NM_001207000.1); short protein forms R33W.
Identifiers: ClinVar variation 4754878 (VCV004754878.1).